The following is an entry in ClinVar:

ClinVar aggregate classification (germline): Uncertain significance (1 of 4 stars; one submission).

Conditions:
Combined immunodeficiency due to DOCK8 deficiency (HIES2). Also called: Hyper-IgE recurrent infection syndrome, autosomal recessive; HIES autosomal recessive; HYPER-IgE RECURRENT INFECTION SYNDROME 2, AUTOSOMAL RECESSIVE; HYPER-IgE SYNDROME 2, AUTOSOMAL RECESSIVE, WITH RECURRENT INFECTIONS; DOCK8 Deficiency. Identifiers: Orphanet 217390, MedGen C4722305, MONDO:0009478, OMIM 243700.

gnomAD v4.1: 5 of 1,614,172 alleles (0.00031%); highest among the groups gnomAD compares: South Asian, 0.0011%; no homozygotes.

Submission:

Labcorp Genetics (formerly Invitae), Labcorp
Classification: Uncertain significance for Combined immunodeficiency due to DOCK8 deficiency. Last evaluated: 2022-11-17. Review status: criteria provided, single submitter. Criteria: Invitae Variant Classification Sherloc (09022015). Collection method: clinical testing. Allele origin: germline.
Comment: Advanced modeling of protein sequence and biophysical properties (such as structural, functional, and spatial information, amino acid conservation, physicochemical variation, residue mobility, and thermodynamic stability) performed at Invitae indicates that this missense variant is not expected to disrupt DOCK8 protein function. In summary, the available evidence is currently insufficient to determine the role of this variant in disease. Therefore, it has been classified as a Variant of Uncertain Significance. This variant has not been reported in the literature in individuals affected with DOCK8-related conditions. This variant is present in population databases (no rsID available, gnomAD 0.003%). This sequence change replaces proline, which is neutral and non-polar, with histidine, which is basic and polar, at codon 405 of the DOCK8 protein (p.Pro405His).

NM_203447.4(DOCK8):c.1214C>A (p.Pro405His)

Gene: DOCK8 (dedicator of cytokinesis 8; plus strand). Cytogenetic location: 9p24.3.
Variant type: single nucleotide variant.
Coding change: c.1214C>A on transcript NM_203447.4 (MANE Select); coding-DNA position 1214, C replaced by A.
Protein change: p.Pro405His; replaces proline 405 with histidine.
Molecular consequence: missense variant.
Genome position (GRCh38, 1-based): chr9:334,313, C>A. VCF-style: chr9-334313-C-A. GRCh37 (hg19) VCF-style: chr9-334313-C-A.
Other names: c.1010C>A, p.Pro337His (NM_001190458.2, NM_001193536.2); short protein forms P337H, P405H.
Identifiers: ClinVar variation 2900861 (VCV002900861.3), dbSNP rs1460892561, ClinGen allele CA16622043.